The following is an entry in ClinVar:

NM_001267550.2(TTN):c.101140G>C (p.Ala33714Pro)

Genes: TTN-AS1 (TTN antisense RNA 1; plus strand), TTN (titin; minus strand). Cytogenetic location: 2q31.2.
Variant type: single nucleotide variant.
Coding change: c.101140G>C on transcript NM_001267550.2 (MANE Select); coding-DNA position 101140, G replaced by C.
Protein change: p.Ala33714Pro; replaces alanine 33714 with proline.
Molecular consequence: missense variant.
Genome position (GRCh38, 1-based): chr2:178,535,475, C>G on the plus strand (G>C on the coding strand, the complement: TTN is on the minus strand). VCF-style: chr2-178535475-C-G. GRCh37 (hg19) VCF-style: chr2-179400202-C-G.
Other names: c.96217G>C, p.Ala32073Pro (NM_001256850.1); c.73945G>C, p.Ala24649Pro (NM_003319.4); c.93436G>C, p.Ala31146Pro (NM_133378.4); c.74320G>C, p.Ala24774Pro (NM_133432.3); c.74521G>C, p.Ala24841Pro (NM_133437.4); short protein forms A24774P, A24841P, A33714P, A24649P, A31146P, A32073P.
Identifiers: ClinVar variation 2947343 (VCV002947343.3), dbSNP rs776948324, ClinGen allele CA349421570.

ClinVar aggregate classification (germline): Uncertain significance (1 of 4 stars; one submission).

Conditions:
Dilated cardiomyopathy 1G (CMD1G). Identifiers: Orphanet 154, MedGen C1858763, MONDO:0011400, OMIM 604145.
Autosomal recessive limb-girdle muscular dystrophy type 2J (LGMDR10). Also called: Limb-girdle muscular dystrophy, type 2J; MUSCULAR DYSTROPHY, LIMB-GIRDLE, AUTOSOMAL RECESSIVE 10. Identifiers: Orphanet 140922, MedGen C1837342, MONDO:0012127, OMIM 608807.

Submission:

Labcorp Genetics (formerly Invitae), Labcorp
Classification: Uncertain significance for Dilated cardiomyopathy 1G; Autosomal recessive limb-girdle muscular dystrophy type 2J. Last evaluated: 2023-05-01. Review status: criteria provided, single submitter. Criteria: Invitae Variant Classification Sherloc (09022015). Collection method: clinical testing. Allele origin: germline.
Comment: This variant is located in the M band of TTN (PMID: 25589632). Variants in this region may be relevant for neuromuscular disorders, but have not been definitively shown to cause cardiomyopathy (PMID: 23975875). In summary, the available evidence is currently insufficient to determine the role of this variant in disease. Therefore, it has been classified as a Variant of Uncertain Significance. Experimental studies and prediction algorithms are not available or were not evaluated, and the functional significance of this variant is currently unknown. This variant has not been reported in the literature in individuals affected with TTN-related conditions. This variant is not present in population databases (gnomAD no frequency). This sequence change replaces alanine, which is neutral and non-polar, with proline, which is neutral and non-polar, at codon 33714 of the TTN protein (p.Ala33714Pro).

Literature cited by the submitters: PubMed 25589632; PubMed 23975875.